The following is an entry in ClinVar:

ClinVar aggregate classification (germline): Uncertain significance (1 of 4 stars; one submission).

Conditions:
Parkinsonism-dystonia, infantile. Identifiers: Orphanet 238455, MedGen C2751067, MONDO:0013150.

Allele frequency attached by ClinVar (database versions not stated): ExAC 0.00001.
gnomAD v4.1: 3 of 1,614,040 alleles (0.00019%); highest among the groups gnomAD compares: Admixed American, 0.005%; no homozygotes.

Submission:

Labcorp Genetics (formerly Invitae), Labcorp
Classification: Uncertain significance for Parkinsonism-dystonia, infantile. Last evaluated: 2023-06-15. Review status: criteria provided, single submitter. Criteria: Invitae Variant Classification Sherloc (09022015). Collection method: clinical testing. Allele origin: germline.
Comment: This variant has not been reported in the literature in individuals affected with SLC6A3-related conditions. This sequence change falls in intron 2 of the SLC6A3 gene. It does not directly change the encoded amino acid sequence of the SLC6A3 protein. It affects a nucleotide within the consensus splice site. This variant is present in population databases (rs781075043, gnomAD 0.006%). ClinVar contains an entry for this variant (Variation ID: 2194823). Variants that disrupt the consensus splice site are a relatively common cause of aberrant splicing (PMID: 17576681, 9536098). Algorithms developed to predict the effect of sequence changes on RNA splicing suggest that this variant is not likely to affect RNA splicing. In summary, the available evidence is currently insufficient to determine the role of this variant in disease. Therefore, it has been classified as a Variant of Uncertain Significance.

Literature cited by the submitters: PubMed 17576681; PubMed 9536098.

NM_001044.5(SLC6A3):c.286+6T>A

Gene: SLC6A3 (solute carrier family 6 member 3). Cytogenetic location: 5p15.33.
Variant type: single nucleotide variant.
Coding change: c.286+6T>A on transcript NM_001044.5 (MANE Select); 6 bases into the intron after coding-DNA position 286, T replaced by A.
Molecular consequence: intron variant.
Genome position (GRCh38, 1-based): chr5:1,442,906, A>T on the plus strand (T>A on the coding strand, the complement: SLC6A3 is on the minus strand). VCF-style: chr5-1442906-A-T. GRCh37 (hg19) VCF-style: chr5-1443021-A-T.
Identifiers: ClinVar variation 2194823 (VCV002194823.4), dbSNP rs781075043, ClinGen allele CA3186447.